The following is an entry in ClinVar:

NM_015512.5(DNAH1):c.7366G>A (p.Ala2456Thr)

Gene: DNAH1 (dynein axonemal heavy chain 1; plus strand). Cytogenetic location: 3p21.1.
Variant type: single nucleotide variant.
Coding change: c.7366G>A on transcript NM_015512.5 (MANE Select); coding-DNA position 7366, G replaced by A.
Protein change: p.Ala2456Thr; replaces alanine 2456 with threonine.
Molecular consequence: missense variant.
Genome position (GRCh38, 1-based): chr3:52,378,769, G>A. VCF-style: chr3-52378769-G-A. GRCh37 (hg19) VCF-style: chr3-52412785-G-A.
Other names: short protein forms A2456T.
Identifiers: ClinVar variation 2074387 (VCV002074387.2), dbSNP rs773274608, ClinGen allele CA2434861.
Genomic context (GRCh38, chr3:52,378,769, plus strand): 5'-TACACCTTCAACCTGAGGGACCTCTCCAAGGTCTTCCAAGGCATGCTCATGGCTGACCCG[G>A]CCAAGGTCGAGGTGAGGACCAGGCAGGCACCCTCCCCAGTGCCCACACTGCTCTCCGCAT-3'
Protein context (NP_056327.4, residues 2446-2466): VFQGMLMADP[Ala2456Thr]KVEDQVQLLR

ClinVar aggregate classification (germline): Uncertain significance. Review status: criteria provided, multiple submitters, no conflicts (2 of 4 stars). 2 submissions from 2 submitters: Uncertain significance (2). Last evaluated 2022-04-06.

Conditions:
Ciliary dyskinesia, primary, 37 (CILD37). Also called: CILIARY DYSKINESIA, PRIMARY, 37, WITH OR WITHOUT SITUS INVERSUS. Identifiers: MedGen C4539798, MONDO:0033204, OMIM 617577.
Spermatogenic failure 18. Identifiers: MedGen C4539783, MONDO:0054615, OMIM 617576.

Allele frequency attached by ClinVar (database versions not stated): TOPMed below 0.00001; ExAC 0.00001; gnomAD exomes 0.00001.
gnomAD v4.1: 15 of 1,613,612 alleles (0.00093%); highest among the groups gnomAD compares: Admixed American, 0.005%; no homozygotes.

Submissions (2):

Labcorp Genetics (formerly Invitae), Labcorp
Classification: Uncertain significance for Ciliary dyskinesia, primary, 37; Spermatogenic failure 18. Last evaluated: 2022-04-06. Review status: criteria provided, single submitter. Criteria: Invitae Variant Classification Sherloc (09022015). Collection method: clinical testing. Allele origin: germline.
Comment: This sequence change replaces alanine, which is neutral and non-polar, with threonine, which is neutral and polar, at codon 2456 of the DNAH1 protein (p.Ala2456Thr). This variant is present in population databases (rs773274608, gnomAD 0.003%). This variant has not been reported in the literature in individuals affected with DNAH1-related conditions. Algorithms developed to predict the effect of missense changes on protein structure and function are either unavailable or do not agree on the potential impact of this missense change (SIFT: "Deleterious"; PolyPhen-2: "Benign"; Align-GVGD: "Class C0"). In summary, the available evidence is currently insufficient to determine the role of this variant in disease. Therefore, it has been classified as a Variant of Uncertain Significance.

Ambry Genetics
Classification: Uncertain significance. Last evaluated: 2021-11-09. Review status: criteria provided, single submitter. Criteria: Ambry Variant Classification Scheme 2023. Collection method: clinical testing. Allele origin: germline.